The following is an entry in ClinVar:

ClinVar aggregate classification (germline): Uncertain significance (1 of 4 stars; one submission).

Conditions:
Hereditary spastic paraplegia 11. Also called: Autosomal recessive hereditary spastic paraplegia, mental impairment, and thin corpus callosum; SPASTIC PARAPLEGIA, AUTOSOMAL RECESSIVE, COMPLICATED, WITH THIN CORPUS CALLOSUM; SPASTIC PARAPLEGIA, AUTOSOMAL RECESSIVE, WITH MENTAL IMPAIRMENT AND THIN CORPUS CALLOSUM; Spastic paraplegia, mental retardation and thin corpus callosum; Spastic Paraplegia 11; Nakamura Osame syndrome. Identifiers: Orphanet 2822, MedGen C1858479, MONDO:0011445, OMIM 604360.

Allele frequency attached by ClinVar (database versions not stated): gnomAD exomes below 0.00001; TOPMed below 0.00001; gnomAD 0.00001.
gnomAD v4.1: 3 of 1,613,926 alleles (0.00019%); highest among the groups gnomAD compares: Middle Eastern, 0.033%; no homozygotes.

Submission:

Labcorp Genetics (formerly Invitae), Labcorp
Classification: Uncertain significance for Hereditary spastic paraplegia 11. Last evaluated: 2022-04-12. Review status: criteria provided, single submitter. Criteria: Invitae Variant Classification Sherloc (09022015). Collection method: clinical testing. Allele origin: germline.
Comment: This sequence change replaces leucine, which is neutral and non-polar, with phenylalanine, which is neutral and non-polar, at codon 611 of the SPG11 protein (p.Leu611Phe). This variant is not present in population databases (gnomAD no frequency). This variant has not been reported in the literature in individuals affected with SPG11-related conditions. Algorithms developed to predict the effect of missense changes on protein structure and function are either unavailable or do not agree on the potential impact of this missense change (SIFT: "Deleterious"; PolyPhen-2: "Probably Damaging"; Align-GVGD: "Class C0"). In summary, the available evidence is currently insufficient to determine the role of this variant in disease. Therefore, it has been classified as a Variant of Uncertain Significance.

NM_025137.4(SPG11):c.1831C>T (p.Leu611Phe)

Gene: SPG11 (SPG11 vesicle trafficking associated, spatacsin; minus strand). Cytogenetic location: 15q21.1.
Variant type: single nucleotide variant.
Coding change: c.1831C>T on transcript NM_025137.4 (MANE Select); coding-DNA position 1831, C replaced by T.
Protein change: p.Leu611Phe; replaces leucine 611 with phenylalanine.
Molecular consequence: missense variant.
Genome position (GRCh38, 1-based): chr15:44,629,293, G>A on the plus strand (C>T on the coding strand, the complement: SPG11 is on the minus strand). VCF-style: chr15-44629293-G-A. GRCh37 (hg19) VCF-style: chr15-44921491-G-A.
Other names: c.1831C>T, p.Leu611Phe (NM_001160227.2); short protein forms L611F.
Identifiers: ClinVar variation 1479395 (VCV001479395.5), dbSNP rs747979962, ClinGen allele CA392234590.
Genomic context (GRCh38, chr15:44,629,293, plus strand): 5'-CTTCAGTGTGAATGAAAAGCTCCTTTATTTGGTTGTTAAGGAAAGACAGTGTAAGATTAA[G>A]CAATTGTTCTGAAAAGTGTTTGCTTTGGGGTTCAGAATAACTTTCTCTAATTGCCGAGCA-3'
Protein context (NP_079413.3, residues 601-621): PQSKHFSEQL[Leu611Phe]NLTLSFLNNQ